The following is an entry in ClinVar:

NM_001134363.3(RBM20):c.3339G>A (p.Met1113Ile)

Gene: RBM20 (RNA binding motif protein 20; plus strand). Cytogenetic location: 10q25.2.
Variant type: single nucleotide variant.
Coding change: c.3339G>A on transcript NM_001134363.3 (MANE Select); coding-DNA position 3339, G replaced by A.
Protein change: p.Met1113Ile; replaces methionine 1113 with isoleucine.
Molecular consequence: missense variant.
Genome position (GRCh38, 1-based): chr10:110,823,502, G>A. VCF-style: chr10-110823502-G-A. GRCh37 (hg19) VCF-style: chr10-112583260-G-A.
Other names: short protein forms M1113I.
Identifiers: ClinVar variation 1730374 (VCV001730374.3), dbSNP rs1488566708, ClinGen allele CA378383465.

ClinVar aggregate classification (germline): Uncertain significance. Review status: criteria provided, multiple submitters, no conflicts (2 of 4 stars). 2 submissions from 2 submitters: Uncertain significance (2). Last evaluated 2025-09-05.

Conditions:
Cardiovascular phenotype. Identifiers: MedGen CN230736.
Dilated cardiomyopathy 1DD (CMD1DD). Identifiers: Orphanet 154, MedGen C2750995, MONDO:0013168, OMIM 613172.

Allele frequency attached by ClinVar (database versions not stated): gnomAD exomes below 0.00001.

Submissions (2):

Labcorp Genetics (formerly Invitae), Labcorp
Classification: Uncertain significance for Dilated cardiomyopathy 1DD. Last evaluated: 2025-09-05. Review status: criteria provided, single submitter. Criteria: Invitae Variant Classification Sherloc (09022015). Collection method: clinical testing. Allele origin: germline.
Comment: This sequence change replaces methionine, which is neutral and non-polar, with isoleucine, which is neutral and non-polar, at codon 1113 of the RBM20 protein (p.Met1113Ile). This variant is present in population databases (no rsID available, gnomAD 0.002%). This variant has not been reported in the literature in individuals affected with RBM20-related conditions. ClinVar contains an entry for this variant (Variation ID: 1730374). Invitae Evidence Modeling of protein sequence and biophysical properties (such as structural, functional, and spatial information, amino acid conservation, physicochemical variation, residue mobility, and thermodynamic stability) indicates that this missense variant is not expected to disrupt RBM20 protein function with a negative predictive value of 95%. In summary, the available evidence is currently insufficient to determine the role of this variant in disease. Therefore, it has been classified as a Variant of Uncertain Significance.

Ambry Genetics
Classification: Uncertain significance for Cardiovascular phenotype. Last evaluated: 2024-03-05. Review status: criteria provided, single submitter. Criteria: Ambry Variant Classification Scheme 2023. Collection method: clinical testing. Allele origin: germline.
Comment: The p.M1113I variant (also known as c.3339G>A), located in coding exon 12 of the RBM20 gene, results from a G to A substitution at nucleotide position 3339. The methionine at codon 1113 is replaced by isoleucine, an amino acid with highly similar properties. This amino acid position is conserved. In addition, this alteration is predicted to be tolerated by in silico analysis. Since supporting evidence is limited at this time, the clinical significance of this alteration remains unclear.